The following is an entry in ClinVar:

ClinVar aggregate classification (germline): Uncertain significance (1 of 4 stars; one submission).

gnomAD v4.1: 2 of 1,614,118 alleles (0.00012%); highest among the groups gnomAD compares: Admixed American, 0.0017%; no homozygotes.

Submission:

Labcorp Genetics (formerly Invitae), Labcorp
Classification: Uncertain significance. Last evaluated: 2024-03-07. Review status: criteria provided, single submitter. Criteria: Invitae Variant Classification Sherloc (09022015). Collection method: clinical testing. Allele origin: germline.
Comment: This sequence change replaces lysine, which is basic and polar, with arginine, which is basic and polar, at codon 43 of the PRPF8 protein (p.Lys43Arg). This variant is present in population databases (rs748938784, gnomAD 0.003%). This variant has not been reported in the literature in individuals affected with PRPF8-related conditions. Advanced modeling of protein sequence and biophysical properties (such as structural, functional, and spatial information, amino acid conservation, physicochemical variation, residue mobility, and thermodynamic stability) performed at Invitae indicates that this missense variant is not expected to disrupt PRPF8 protein function with a negative predictive value of 80%. In summary, the available evidence is currently insufficient to determine the role of this variant in disease. Therefore, it has been classified as a Variant of Uncertain Significance.

NM_006445.4(PRPF8):c.128A>G (p.Lys43Arg)

Gene: PRPF8 (pre-mRNA processing factor 8; minus strand). Cytogenetic location: 17p13.3.
Variant type: single nucleotide variant.
Coding change: c.128A>G on transcript NM_006445.4 (MANE Select); coding-DNA position 128, A replaced by G.
Protein change: p.Lys43Arg; replaces lysine 43 with arginine.
Molecular consequence: missense variant.
Genome position (GRCh38, 1-based): chr17:1,683,674, T>C on the plus strand (A>G on the coding strand, the complement: PRPF8 is on the minus strand). VCF-style: chr17-1683674-T-C. GRCh37 (hg19) VCF-style: chr17-1586968-T-C.
Other names: short protein forms K43R.
Identifiers: ClinVar variation 3700984 (VCV003700984.2).